The following is an entry in ClinVar:

NM_001366385.1(CARD14):c.112C>T (p.Arg38Cys)

Gene: CARD14 (caspase recruitment domain family member 14; plus strand). Cytogenetic location: 17q25.3.
Variant type: single nucleotide variant.
Coding change: c.112C>T on transcript NM_001366385.1 (MANE Select); coding-DNA position 112, C replaced by T.
Protein change: p.Arg38Cys; replaces arginine 38 with cysteine.
Molecular consequence: missense variant. On other transcripts: non-coding transcript variant (1).
Genome position (GRCh38, 1-based): chr17:80,181,550, C>T. VCF-style: chr17-80181550-C-T. GRCh37 (hg19) VCF-style: chr17-78155349-C-T.
Other names: c.112C>T, p.Arg38Cys (NM_001257970.1, NM_024110.4); short protein forms R38C.
Identifiers: ClinVar variation 68775 (VCV000068775.10), dbSNP rs281875217, ClinGen allele CA219900.

ClinVar aggregate classification (germline): Uncertain significance. Review status: criteria provided, multiple submitters, no conflicts (2 of 4 stars). 3 submissions from 3 submitters: Uncertain significance (2). 1 of the submissions does not count toward it. Last evaluated 2025-09-21.

Conditions:
Psoriasis 2. Identifiers: MedGen C1864497, MONDO:0011269, OMIM 602723.
Pityriasis rubra pilaris (PRP). Also called: Pityriasis rubra pilaris--familial type. Identifiers: Orphanet 2897, MedGen C0032027, MONDO:0100017, OMIM 173200, MONDO:0008251.

Allele frequency attached by ClinVar (database versions not stated): gnomAD 0.00001; TOPMed 0.00001; gnomAD exomes 0.00002.

Submissions (3):

Labcorp Genetics (formerly Invitae), Labcorp
Classification: Uncertain significance for Pityriasis rubra pilaris; Psoriasis 2. Last evaluated: 2025-09-21. Review status: criteria provided, single submitter. Criteria: Invitae Variant Classification Sherloc (09022015). Collection method: clinical testing. Allele origin: germline.
Comment: This sequence change replaces arginine, which is basic and polar, with cysteine, which is neutral and slightly polar, at codon 38 of the CARD14 protein (p.Arg38Cys). This variant is present in population databases (rs281875217, gnomAD 0.007%). This missense change has been observed in individual(s) with psoriasis (PMID: 22521419). ClinVar contains an entry for this variant (Variation ID: 68775). Invitae Evidence Modeling of protein sequence and biophysical properties (such as structural, functional, and spatial information, amino acid conservation, physicochemical variation, residue mobility, and thermodynamic stability) has been performed for this missense variant. However, the output from this modeling did not meet the statistical confidence thresholds required to predict the impact of this variant on CARD14 protein function. Experimental studies have shown that this missense change affects CARD14 function (PMID: 22521419, 28230860). In summary, the available evidence is currently insufficient to determine the role of this variant in disease. Therefore, it has been classified as a Variant of Uncertain Significance.

Blueprint Genetics
Classification: Uncertain significance. Last evaluated: 2022-11-09. Review status: criteria provided, single submitter. Criteria: ACMG Guidelines, 2015. Collection method: clinical testing. Allele origin: germline.

UniProtKB/Swiss-Prot
No classification provided. Review status: no classification provided. Collection method: not provided. Allele origin: not provided. Not counted in ClinVar's aggregate classification.

Literature cited by the submitters: PubMed 22521419 (cited by Labcorp Genetics (formerly Invitae), Labcorp); PubMed 28230860 (cited by Labcorp Genetics (formerly Invitae), Labcorp).